The following is an entry in ClinVar:

ClinVar aggregate classification (germline): Uncertain significance (1 of 4 stars; one submission).

Submission:

Labcorp Genetics (formerly Invitae), Labcorp
Classification: Uncertain significance. Last evaluated: 2023-05-01. Review status: criteria provided, single submitter. Criteria: Invitae Variant Classification Sherloc (09022015). Collection method: clinical testing. Allele origin: germline.
Comment: In summary, the available evidence is currently insufficient to determine the role of this variant in disease. Therefore, it has been classified as a Variant of Uncertain Significance. An algorithm developed to predict the effect of missense changes on protein structure and function (PolyPhen-2) suggests that this variant is likely to be tolerated. This variant has not been reported in the literature in individuals affected with FRMD7-related conditions. This variant is not present in population databases (gnomAD no frequency). This sequence change replaces tyrosine, which is neutral and polar, with histidine, which is basic and polar, at codon 358 of the FRMD7 protein (p.Tyr358His).

NM_194277.3(FRMD7):c.1072T>C (p.Tyr358His)

Gene: FRMD7 (FERM domain containing 7; minus strand). Cytogenetic location: Xq26.2.
Variant type: single nucleotide variant.
Coding change: c.1072T>C on transcript NM_194277.3 (MANE Select); coding-DNA position 1072, T replaced by C.
Protein change: p.Tyr358His; replaces tyrosine 358 with histidine.
Molecular consequence: missense variant.
Genome position (GRCh38, 1-based): chrX:132,078,945, A>G on the plus strand (T>C on the coding strand, the complement: FRMD7 is on the minus strand). VCF-style: chrX-132078945-A-G. GRCh37 (hg19) VCF-style: chrX-131212973-A-G.
Other names: c.1027T>C, p.Tyr343His (NM_001306193.2); short protein forms Y343H, Y358H.
Identifiers: ClinVar variation 2851035 (VCV002851035.3), dbSNP rs770281308, ClinGen allele CA414679900.